The following is an entry in ClinVar:

ClinVar aggregate classification (germline): Uncertain significance (1 of 4 stars; one submission).

Conditions:
Inborn genetic diseases. Identifiers: MedGen C0950123, MeSH D030342.

Allele frequency attached by ClinVar (database versions not stated): TOPMed 0.00007; ExAC 0.00002; gnomAD 0.00002; ESP Exome Variant Server 0.00008.
gnomAD v4.1: 24 of 1,613,894 alleles (0.0015%); highest among the groups gnomAD compares: African/African-American, 0.0067%; no homozygotes.

Submission:

Ambry Genetics
Classification: Uncertain significance for Inborn genetic diseases. Last evaluated: 2026-07-08. Review status: criteria provided, single submitter. Criteria: Ambry Variant Classification Scheme 2023. Collection method: clinical testing. Allele origin: germline.
Comment: The c.3410G>A (p.R1137Q) alteration is located in exon 23 (coding exon 23) of the MED12L gene. This alteration results from a G to A substitution at nucleotide position 3410, causing the arginine (R) at amino acid position 1137 to be replaced by a glutamine (Q). Based on data from gnomAD, the A allele has an overall frequency of 0.001% (3/282540) total alleles studied. The highest observed frequency was 0.008% (2/24964) of African alleles. Based on insufficient or conflicting evidence, the clinical significance of this alteration remains unclear.

NM_001393769.1(MED12L):c.3515G>A (p.Arg1172Gln)

Genes: MED12L (mediator complex subunit 12L; plus strand), P2RY12 (purinergic receptor P2Y12; minus strand). Cytogenetic location: 3q25.1.
Variant type: single nucleotide variant.
Coding change: c.3515G>A on transcript NM_001393769.1 (MANE Select); coding-DNA position 3515, G replaced by A.
Protein change: p.Arg1172Gln; replaces arginine 1172 with glutamine.
Molecular consequence: missense variant. On other transcripts: intron variant (1).
Genome position (GRCh38, 1-based): chr3:151,368,216, G>A. VCF-style: chr3-151368216-G-A. GRCh37 (hg19) VCF-style: chr3-151086004-G-A.
Other names: c.3410G>A, p.Arg1137Gln (NM_053002.6); c.-180+16476C>T (NM_022788.5); short protein forms R1137Q, R1172Q.
Identifiers: ClinVar variation 3124885 (VCV003124885.2), dbSNP rs374613376, ClinGen allele CA2668289.